The following is an entry in ClinVar:

ClinVar aggregate classification (germline): Uncertain significance (1 of 4 stars; one submission).

Conditions:
Bethlem myopathy 1A. Also called: Bethlem myopathy 1; MYOPATHY, BENIGN CONGENITAL, WITH CONTRACTURES; Bethlem Muscular Dystrophy. Identifiers: Orphanet 610, MedGen CN029274, MONDO:0024530, OMIM 158810.

Allele frequency attached by ClinVar (database versions not stated): gnomAD 0.00001; gnomAD exomes 0.00001; TOPMed 0.00001.
gnomAD v4.1: 4 of 1,600,184 alleles (0.00025%); highest among the groups gnomAD compares: Admixed American, 0.007%; no homozygotes.

Submission:

Labcorp Genetics (formerly Invitae), Labcorp
Classification: Uncertain significance for Bethlem myopathy 1A. Last evaluated: 2024-08-05. Review status: criteria provided, single submitter. Criteria: Invitae Variant Classification Sherloc (09022015). Collection method: clinical testing. Allele origin: germline.
Comment: This sequence change replaces glycine, which is neutral and non-polar, with serine, which is neutral and polar, at codon 446 of the COL6A1 protein (p.Gly446Ser). The frequency data for this variant in the population databases is considered unreliable, as metrics indicate poor data quality at this position in the gnomAD database. This variant has not been reported in the literature in individuals affected with COL6A1-related conditions. An algorithm developed to predict the effect of missense changes on protein structure and function (PolyPhen-2) suggests that this variant is likely to be disruptive. This variant disrupts the triple helix domain of COL6A1. Glycine residues within the Gly-Xaa-Yaa repeats of the triple helix domain are required for the structure and stability of fibrillar collagens (PMID: 7695699, 8218237, 19344236). In COL6A1, variants at these glycine residues are significantly enriched in individuals with autosomal dominant disease (PMID: 15689448, 24038877) compared to the general population (ExAC). In summary, the available evidence is currently insufficient to determine the role of this variant in disease. Therefore, it has been classified as a Variant of Uncertain Significance.

Literature cited by the submitters: PubMed 7695699; PubMed 8218237; PubMed 19344236; PubMed 15689448; PubMed 24038877.

NM_001848.3(COL6A1):c.1336G>A (p.Gly446Ser)

Gene: COL6A1 (collagen type VI alpha 1 chain; plus strand). Cytogenetic location: 21q22.3.
Variant type: single nucleotide variant.
Coding change: c.1336G>A on transcript NM_001848.3 (MANE Select); coding-DNA position 1336, G replaced by A.
Protein change: p.Gly446Ser; replaces glycine 446 with serine.
Molecular consequence: missense variant.
Genome position (GRCh38, 1-based): chr21:45,994,167, G>A. VCF-style: chr21-45994167-G-A. GRCh37 (hg19) VCF-style: chr21-47414081-G-A.
Other names: short protein forms G446S.
Identifiers: ClinVar variation 2895463 (VCV002895463.3), dbSNP rs1414896348, ClinGen allele CA410526800.